The following is an entry in ClinVar:

NM_000484.4(APP):c.1299+4A>G

Gene: APP (amyloid beta precursor protein; minus strand). Cytogenetic location: 21q21.3.
Variant type: single nucleotide variant.
Coding change: c.1299+4A>G on transcript NM_000484.4 (MANE Select); 4 bases into the intron after coding-DNA position 1299, A replaced by G.
Molecular consequence: intron variant.
Genome position (GRCh38, 1-based): chr21:25,975,950, T>C on the plus strand (A>G on the coding strand, the complement: APP is on the minus strand). VCF-style: chr21-25975950-T-C. GRCh37 (hg19) VCF-style: chr21-27348263-T-C.
Other names: c.969+4A>G (NM_001136131.3); c.906+4A>G (NM_001136129.3); c.1131+4A>G (NM_001136130.3, NM_001385253.1); c.1074+4A>G (NM_001204303.2, NM_201414.3); c.1242+4A>G (NM_001204302.2, NM_201413.3); c.1299+4A>G (NM_001204301.2); c.1227+4A>G (NM_001136016.3).
Identifiers: ClinVar variation 450260 (VCV000450260.2), dbSNP rs945993637, ClinGen allele CA319115811.

ClinVar aggregate classification (germline): Uncertain significance (1 of 4 stars; one submission).

Allele frequency attached by ClinVar (database versions not stated): gnomAD exomes below 0.00001; gnomAD 0.00001; TOPMed 0.00002.
gnomAD v4.1: 3 of 1,613,082 alleles (0.00019%); highest among the groups gnomAD compares: Non-Finnish European, 0.00025%; no homozygotes.

Submission:

GeneDx
Classification: Uncertain significance. Last evaluated: 2017-07-13. Review status: criteria provided, single submitter. Criteria: GeneDx Variant Classification (06012015). Collection method: clinical testing. Allele origin: germline. Affected: yes.
Comment: The c.1299+4A>G variant in the APP gene has not been reported previously as a pathogenic variant nor as a benign variant, to our knowledge. In silico splice predictor models are inconsistent in their predictions as to whether or not this variant may cause abnormal gene splicing. In the absence of RNA/functional studies, the actual effect of this sequence change in this individual is unknown. The c.1299+4A>G variant is not observed in large population cohorts (Lek et al., 2016; 1000 Genomes Consortium et al., 2015; Exome Variant Server). We interpret c.1299+4A>G as a variant of uncertain significance.